The following is an entry in ClinVar:

NM_019098.5(CNGB3):c.1198del (p.Trp400fs)

Gene: CNGB3 (cyclic nucleotide gated channel subunit beta 3; minus strand). Cytogenetic location: 8q21.3.
Variant type: Deletion.
Coding change: c.1198del on transcript NM_019098.5 (MANE Select); coding-DNA position 1198, one base deleted (T; older notation c.1198delT).
Protein change: p.Trp400fs; shifts the reading frame from tryptophan 400.
Molecular consequence: frameshift variant.
Genome position (GRCh38, 1-based): chr8:86,632,874, A deleted on the plus strand (T on the coding strand, the reverse complement: CNGB3 is on the minus strand); the first of 2 consecutive A bases (chr8:86,632,874-86,632,875); deleting either gives the same sequence. VCF-style (leftmost placement, unchanged base first): chr8-86632873-CA-C. GRCh37 (hg19) VCF-style: chr8-87645101-CA-C.
Other names: short protein forms W400fs.
Identifiers: ClinVar variation 2830800 (VCV002830800.4), dbSNP rs2538087203, ClinGen allele CA2739268838.

ClinVar aggregate classification (germline): Pathogenic. Review status: criteria provided, multiple submitters, no conflicts (2 of 4 stars). 2 submissions from 2 submitters: Pathogenic (2). Last evaluated 2026-05-19.

Conditions:
Achromatopsia 3 (ACHM3). Also called: ACHROMATOPSIA WITH MYOPIA; PINGELAPESE BLINDNESS; TOTAL COLORBLINDNESS WITH MYOPIA; ROD MONOCHROMACY 1; ROD MONOCHROMATISM 1. Identifiers: Orphanet 49382, MedGen C1849792, MONDO:0009875, OMIM 262300.

Submissions (2):

Myriad Genetics, Inc.
Classification: Pathogenic for Achromatopsia 3. Last evaluated: 2026-05-19. Review status: criteria provided, single submitter. Criteria: Myriad Autosomal Dominant, Autosomal Recessive and X-Linked Classification Criteria (2023). Collection method: clinical testing. Allele origin: unknown.
Comment: NM_019098.4(CNGB3):c.1198delT(W400Gfs*6) is expected to be pathogenic in the context of achromatopsia, CNGB3-related. This variant is predicted to lead to an abnormal or absent protein product due to the creation of a premature termination codon in CNGB3, a gene where loss-of-function variants are known to be pathogenic. Please note: this variant was assessed in the context of healthy population screening.

Labcorp Genetics (formerly Invitae), Labcorp
Classification: Pathogenic. Last evaluated: 2023-01-21. Review status: criteria provided, single submitter. Criteria: Invitae Variant Classification Sherloc (09022015). Collection method: clinical testing. Allele origin: germline.
Comment: This sequence change creates a premature translational stop signal (p.Trp400Glyfs*6) in the CNGB3 gene. It is expected to result in an absent or disrupted protein product. Loss-of-function variants in CNGB3 are known to be pathogenic (PMID: 28795510). This variant is not present in population databases (gnomAD no frequency). This variant has not been reported in the literature in individuals affected with CNGB3-related conditions. For these reasons, this variant has been classified as Pathogenic.

Literature cited by the submitters: PubMed 28795510 (cited by Labcorp Genetics (formerly Invitae), Labcorp).